The following is an entry in ClinVar:

ClinVar aggregate classification (germline): Pathogenic (1 of 4 stars; one submission).

Conditions:
Fetal anomalies with a likely genetic cause.

Submission:

Genetics Laboratory, Great Ormond Street Hospital NHS Foundation Trust, North Thames Genomic Laboratory Hub
Classification: Pathogenic for Fetal anomalies with a likely genetic cause. Last evaluated: 2026-04-11. Review status: criteria provided, single submitter. Criteria: ACGS Best Practice Guidelines for Variant Classification in Rare Disease 2024 v1.2. Collection method: clinical testing. Allele origin: germline. Affected: yes.
Comment: PM2_moderate, PVS1_very-strong

NM_001286577.2(C2CD3):c.668_669del (p.Lys223fs)

Gene: C2CD3 (C2 domain containing 3 centriole elongation regulator; minus strand). Cytogenetic location: 11q13.4.
Variant type: Deletion.
Coding change: c.668_669del on transcript NM_001286577.2 (MANE Select); coding-DNA positions 668 to 669, 2 bases deleted (AA; older notation c.668_669delAA).
Protein change: p.Lys223fs; shifts the reading frame from lysine 223.
Molecular consequence: frameshift variant.
Genome position (GRCh38, 1-based): chr11:74,139,643-74,139,644, TT deleted on the plus strand (AA on the coding strand, the reverse complement: C2CD3 is on the minus strand); deleting any 2 consecutive bases within chr11:74,139,643-74,139,646 gives the same sequence; the c. name uses the placement nearest the transcript's 3' end. VCF-style (leftmost placement, unchanged base first): chr11-74139642-CTT-C. GRCh37 (hg19) VCF-style: chr11-73850687-CTT-C.
Other names: c.668_669del, p.Lys223fs (NM_015531.6); short protein forms K223fs.
Identifiers: ClinVar variation 4852832 (VCV004852832.1).